The following is an entry in ClinVar:

ClinVar aggregate classification (germline): Uncertain significance (1 of 4 stars; one submission).

Submission:

Labcorp Genetics (formerly Invitae), Labcorp
Classification: Uncertain significance. Last evaluated: 2024-10-22. Review status: criteria provided, single submitter. Criteria: Invitae Variant Classification Sherloc (09022015). Collection method: clinical testing. Allele origin: germline.
Comment: This sequence change replaces alanine, which is neutral and non-polar, with threonine, which is neutral and polar, at codon 316 of the FGD1 protein (p.Ala316Thr). This variant is not present in population databases (gnomAD no frequency). This variant has not been reported in the literature in individuals affected with FGD1-related conditions. Invitae Evidence Modeling of protein sequence and biophysical properties (such as structural, functional, and spatial information, amino acid conservation, physicochemical variation, residue mobility, and thermodynamic stability) indicates that this missense variant is not expected to disrupt FGD1 protein function with a negative predictive value of 95%. In summary, the available evidence is currently insufficient to determine the role of this variant in disease. Therefore, it has been classified as a Variant of Uncertain Significance.

NM_004463.3(FGD1):c.946G>A (p.Ala316Thr)

Gene: FGD1 (FYVE, RhoGEF and PH domain containing 1; minus strand). Cytogenetic location: Xp11.22.
Variant type: single nucleotide variant.
Coding change: c.946G>A on transcript NM_004463.3 (MANE Select); coding-DNA position 946, G replaced by A.
Protein change: p.Ala316Thr; replaces alanine 316 with threonine.
Molecular consequence: missense variant.
Genome position (GRCh38, 1-based): chrX:54,470,171, C>T on the plus strand (G>A on the coding strand, the complement: FGD1 is on the minus strand). VCF-style: chrX-54470171-C-T. GRCh37 (hg19) VCF-style: chrX-54496604-C-T.
Other names: short protein forms A316T.
Identifiers: ClinVar variation 2692747 (VCV002692747.3), dbSNP rs959361511, ClinGen allele CA328938110.
Genomic context (GRCh38, chrX:54,470,171, plus strand): 5'-CAACCTCTTGGGAGCCAGGCCGGTGGGGGTCGGCCAAGGCAACAGGCACACTAGCCAGGG[C>T]AGGGGGCCCAGGGCAGAGGCTGTGGCTGGGGGGCCCGTCATCACTGACGAAGCAGGTCTC-3'
Protein context (NP_004454.2, residues 306-326): PSHSLCPGPP[Ala316Thr]LASVPVALAD